The following is an entry in ClinVar:

ClinVar aggregate classification (germline): Uncertain significance (1 of 4 stars; one submission).

Conditions:
Transcobalamin II deficiency (TCN2D). Also called: Transcolabamin II deficiency; TC II DEFICIENCY; TCN2 DEFICIENCY. Identifiers: Orphanet 859, MedGen C0342701, MONDO:0010149, OMIM 275350.

Submission:

Labcorp Genetics (formerly Invitae), Labcorp
Classification: Uncertain significance for Transcobalamin II deficiency. Last evaluated: 2021-12-07. Review status: criteria provided, single submitter. Criteria: Invitae Variant Classification Sherloc (09022015). Collection method: clinical testing. Allele origin: germline.
Comment: This sequence change replaces aspartic acid, which is acidic and polar, with glutamic acid, which is acidic and polar, at codon 280 of the TCN2 protein (p.Asp280Glu). This variant is not present in population databases (gnomAD no frequency). This variant has not been reported in the literature in individuals affected with TCN2-related conditions. Algorithms developed to predict the effect of missense changes on protein structure and function output the following: SIFT: "Tolerated"; PolyPhen-2: "Benign"; Align-GVGD: "Class C0". The glutamic acid amino acid residue is found in multiple mammalian species, which suggests that this missense change does not adversely affect protein function. In summary, the available evidence is currently insufficient to determine the role of this variant in disease. Therefore, it has been classified as a Variant of Uncertain Significance.

NM_000355.4(TCN2):c.840T>A (p.Asp280Glu)

Gene: TCN2 (transcobalamin 2; plus strand). Cytogenetic location: 22q12.2.
Variant type: single nucleotide variant.
Coding change: c.840T>A on transcript NM_000355.4 (MANE Select); coding-DNA position 840, T replaced by A.
Protein change: p.Asp280Glu; replaces aspartic acid 280 with glutamic acid.
Molecular consequence: missense variant.
Genome position (GRCh38, 1-based): chr22:30,615,687, T>A. VCF-style: chr22-30615687-T-A. GRCh37 (hg19) VCF-style: chr22-31011674-T-A.
Other names: c.759T>A, p.Asp253Glu (NM_001184726.2); short protein forms D280E, D253E.
Identifiers: ClinVar variation 2036989 (VCV002036989.1), dbSNP rs79999752, ClinGen allele CA411213343.